The following is an entry in ClinVar:

ClinVar aggregate classification (germline): Conflicting classifications of pathogenicity. Review status: criteria provided, conflicting classifications (1 of 4 stars). 10 submissions from 10 submitters: Uncertain significance (2); Benign (1); Likely benign (5). 2 of the submissions do not count toward it. Last evaluated 2026-04-01.

Conditions:
MFSD8-related disorder. Also called: MFSD8-related condition.
Inborn genetic diseases. Identifiers: MedGen C0950123, MeSH D030342.
Late-infantile neuronal ceroid lipofuscinosis. Also called: Jansky-Bielschowsky disease. Identifiers: MedGen C0022340, MONDO:0015674.
Neuronal ceroid lipofuscinosis 7 (CLN7). Also called: MFSD8-Related Neuronal Ceroid-Lipofuscinosis. Identifiers: Orphanet 168491, Orphanet 228366, MedGen C1838571, MONDO:0012588, OMIM 610951.

Allele frequency attached by ClinVar (database versions not stated): 1000 Genomes Project 30x 0.00125; 1000 Genomes Project 0.00140; gnomAD 0.00169 and 0.00184; ESP Exome Variant Server 0.00215; TOPMed 0.00222.
gnomAD v4.1: 555 of 1,613,454 alleles (0.034%); highest among the groups gnomAD compares: African/African-American, 0.65%; 3 homozygotes.

Submissions (10):

CeGaT Center for Human Genetics Tuebingen
Classification: Uncertain significance. Last evaluated: 2026-04-01. Review status: criteria provided, single submitter. Criteria: CeGaT Center For Human Genetics Tuebingen Variant Classification Criteria Version 2. Collection method: clinical testing. Allele origin: germline. Affected: yes. Observed: 1 variant allele.
Comment: MFSD8: PP3

Labcorp Genetics (formerly Invitae), Labcorp
Classification: Likely benign for Neuronal ceroid lipofuscinosis 7. Last evaluated: 2026-02-03. Review status: criteria provided, single submitter. Criteria: Invitae Variant Classification Sherloc (09022015). Collection method: clinical testing. Allele origin: germline.

Mayo Clinic Laboratories, Mayo Clinic
Classification: Uncertain significance. Last evaluated: 2024-11-22. Review status: criteria provided, single submitter. Criteria: ACMG Guidelines, 2015. Collection method: clinical testing. Allele origin: germline. Observed: 4 variant alleles.
Comment: BS1, PP3

Blueprint Genetics
Classification: Likely benign. Last evaluated: 2024-10-30. Review status: criteria provided, single submitter. Criteria: ACMG Guidelines, 2015. Collection method: clinical testing. Allele origin: germline.

GeneDx
Classification: Likely benign. Last evaluated: 2020-07-28. Review status: criteria provided, single submitter. Criteria: GeneDx Variant Classification Process June 2021. Collection method: clinical testing. Allele origin: germline. Affected: yes.

Illumina Laboratory Services, Illumina
Classification: Likely benign for Neuronal ceroid lipofuscinosis 7. Last evaluated: 2018-01-13. Review status: criteria provided, single submitter. Criteria: ICSL Variant Classification Criteria 13 December 2019. Collection method: clinical testing. Allele origin: germline.
Comment: This variant was observed in the ICSL laboratory as part of a predisposition screen in an ostensibly healthy population. It had not been previously curated by ICSL or reported in the Human Gene Mutation Database (HGMD: prior to June 1st, 2018), and was therefore a candidate for classification through an automated scoring system. Utilizing variant allele frequency, disease prevalence and penetrance estimates, and inheritance mode, an automated score was calculated to assess if this variant is too frequent to cause the disease. Based on the score and internal cut-off values, a variant classified as likely benign is not then subjected to further curation. The score for this variant resulted in a classification of likely benign for this disease.

Ambry Genetics
Classification: Benign for Inborn genetic diseases. Last evaluated: 2016-07-28. Review status: criteria provided, single submitter. Criteria: Ambry Variant Classification Scheme 2023. Collection method: clinical testing. Allele origin: germline.

Eurofins Ntd Llc (ga)
Classification: Likely benign. Last evaluated: 2014-11-13. Review status: criteria provided, single submitter. Criteria: EGL Classification Definitions 2015. Collection method: clinical testing. Allele origin: germline. Observed: 1 variant allele, 1 heterozygote.

PreventionGenetics, part of Exact Sciences
Classification: Likely benign for MFSD8-related condition. Last evaluated: 2024-08-15. Review status: no assertion criteria provided. Collection method: clinical testing. Allele origin: germline. Not counted in ClinVar's aggregate classification.
Comment: This variant is classified as likely benign based on ACMG/AMP sequence variant interpretation guidelines (Richards et al. 2015 PMID: 25741868, with internal and published modifications).

Natera, Inc.
Classification: Uncertain significance for Late-infantile neuronal ceroid lipofuscinosis. Last evaluated: 2020-01-24. Review status: no assertion criteria provided. Collection method: clinical testing. Allele origin: germline. Not counted in ClinVar's aggregate classification.

Literature cited by the submitters: PubMed 34828358 (cited by Mayo Clinic Laboratories, Mayo Clinic).

NM_001371596.2(MFSD8):c.590G>A (p.Gly197Asp)

Gene: MFSD8 (major facilitator superfamily domain containing 8; minus strand). Cytogenetic location: 4q28.2.
Variant type: single nucleotide variant.
Coding change: c.590G>A on transcript NM_001371596.2 (MANE Select); coding-DNA position 590, G replaced by A.
Protein change: p.Gly197Asp; replaces glycine 197 with aspartic acid.
Molecular consequence: missense variant. On other transcripts: intron variant (5).
Genome position (GRCh38, 1-based): chr4:127,939,961, C>T on the plus strand (G>A on the coding strand, the complement: MFSD8 is on the minus strand). VCF-style: chr4-127939961-C-T. GRCh37 (hg19) VCF-style: chr4-128861116-C-T.
Other names: p.Gly197Asp; c.455G>A, p.Gly152Asp (NM_001371590.2); c.590G>A, p.Gly197Asp (NM_001371591.2, NM_152778.4); c.596G>A, p.Gly199Asp (NM_001371592.2); c.476G>A, p.Gly159Asp (NM_001371593.2, NM_001410766.1); c.419-1125G>A (NM_001371595.1); c.304+3791G>A (NM_001410765.1); c.439+3791G>A (NM_001363521.3); and 2 more; short protein forms G197D, G152D, G159D, G199D.
Identifiers: ClinVar variation 198619 (VCV000198619.32), dbSNP rs28544073, ClinGen allele CA203526.